The following is an entry in ClinVar:

ClinVar aggregate classification (germline): Pathogenic/Likely pathogenic. Review status: criteria provided, multiple submitters, no conflicts (2 of 4 stars). 4 submissions from 4 submitters: Pathogenic (3); Likely pathogenic (1). Last evaluated 2024-04-01.

Conditions:
Hereditary cancer-predisposing syndrome. Also called: Neoplastic Syndromes, Hereditary; Hereditary neoplastic syndrome; Hereditary Cancer Syndrome; Tumor predisposition. Identifiers: Orphanet 140162, MedGen C0027672, MeSH D009386, MONDO:0015356.
Familial adenomatous polyposis 1 (FAP1). Also called: FAMILIAL ADENOMATOUS POLYPOSIS 1, ATTENUATED; POLYPOSIS, ADENOMATOUS INTESTINAL. Identifiers: MedGen C2713442, MONDO:0021056, OMIM 175100. Disease mechanism: loss of function.

Submissions (4):

Labcorp Genetics (formerly Invitae), Labcorp
Classification: Pathogenic for Familial adenomatous polyposis 1. Last evaluated: 2024-04-01. Review status: criteria provided, single submitter. Criteria: Invitae Variant Classification Sherloc (09022015). Collection method: clinical testing. Allele origin: germline.
Comment: This sequence change affects a splice site in intron 11 of the APC gene. RNA analysis indicates that disruption of this splice site induces altered splicing and may result in an absent or disrupted protein product. This variant is not present in population databases (gnomAD no frequency). Disruption of this splice site has been observed in individual(s) with familial adenomatous polyposis (FAP) (PMID: 19196998, 20685668; Invitae). ClinVar contains an entry for this variant (Variation ID: 449332). Studies have shown that disruption of this splice site results in activation of a cryptic splice site and introduces a premature termination codon (PMID: 19196998). The resulting mRNA is expected to undergo nonsense-mediated decay. For these reasons, this variant has been classified as Pathogenic.

Myriad Genetics, Inc.
Classification: Likely pathogenic for Familial adenomatous polyposis 1. Last evaluated: 2023-05-01. Review status: criteria provided, single submitter. Criteria: Myriad Autosomal Dominant, Autosomal Recessive and X-Linked Classification Criteria (2023). Collection method: clinical testing. Allele origin: unknown.
Comment: This variant is considered likely pathogenic. This variant occurs within a consensus splice junction and is predicted to result in abnormal mRNA splicing of either an out-of-frame exon or an in-frame exon necessary for protein stability and/or normal function.

Ambry Genetics
Classification: Pathogenic for Hereditary cancer-predisposing syndrome. Last evaluated: 2022-01-12. Review status: criteria provided, single submitter. Criteria: Ambry Variant Classification Scheme 2023. Collection method: clinical testing. Allele origin: germline.
Comment: The c.1409-2_1409delAGG pathogenic mutation results from a deletion of three nucleotides between positions 1409-2 and 1409 and involves the canonical splice acceptor site before coding exon 11 of the APC gene. This mutation has been identified in individuals with colonic polyposis meeting criteria for FAP or attenuated FAP (Kaufmann A et al. J Mol Diagn. 2009 Mar;11(2):131-9; Lagarde A et al. J Med Genet 2010 Oct;47(10):721-2; Ambry internal data). Upon mRNA analysis, one study confirmed aberrant splicing resulting in a transcript with a premature termination codon (Kaufmann A et al. J Mol Diagn. 2009 Mar;11(2):131-9). This variant is considered to be rare based on population cohorts in the Genome Aggregation Database (gnomAD). Alterations that disrupt the canonical splice site are expected to cause aberrant splicing, resulting in an abnormal protein or a transcript that is subject to nonsense-mediated mRNA decay. As such, this alteration is interpreted as a disease-causing mutation.

GeneDx
Classification: Pathogenic. Last evaluated: 2017-05-25. Review status: criteria provided, single submitter. Criteria: GeneDx Variant Classification (06012015). Collection method: clinical testing. Allele origin: germline. Affected: yes.
Comment: This deletion of three nucleotides in APC is denoted c.1409-2_1409delAGG at the cDNA level. The surrounding sequence is aatt[delagG]GGGA, where the capital letters are exonic and lowercase are intronic. This deletion spans the intron/exon boundary, removing the canonical splice acceptor site of intron 11. It is predicted to cause abnormal gene splicing, leading to either an abnormal message that is subject to nonsense-mediated mRNA decay or to an abnormal protein product. This variant has been reported in at least one person with adenomatous polyposis, and RNA analysis suggested activation of 2 cryptic sites producing 2 aberrant transcripts that lead to premature stop codons (Kaufmann 2009). Based on currently available information, we consider APC c.1409-2_1409delAGG to be a pathogenic variant.

Literature cited by the submitters: PubMed 19196998 (cited by Labcorp Genetics (formerly Invitae), Labcorp and Ambry Genetics); PubMed 20685668 (cited by Labcorp Genetics (formerly Invitae), Labcorp and Ambry Genetics).

NM_000038.6(APC):c.1409-2_1409del

Gene: APC (APC regulator of Wnt signaling pathway; plus strand). Cytogenetic location: 5q22.2.
Variant type: Deletion.
Coding change: c.1409-2_1409del on transcript NM_000038.6 (MANE Select); the canonical splice acceptor site of the intron before coding-DNA position 1409 through coding-DNA position 1409, 3 bases deleted (AGG; older notation c.1409-2_1409delAGG).
Molecular consequence: splice acceptor variant.
Genome position (GRCh38, 1-based): chr5:112,827,106-112,827,108, AGG deleted. VCF-style (leftmost placement, unchanged base first): chr5-112827105-TAGG-T. GRCh37 (hg19) VCF-style: chr5-112162802-TAGG-T.
Other names: c.1409-2_1409del (NM_000038.5, NM_001354895.2, NM_001127510.3); c.1439-2_1439del (NM_001354897.2); c.1136-2_1136del (NM_001354902.2); c.1355-2_1355del (NM_001127511.3); c.1334-2_1334del (NM_001354898.2); c.1031-2_1031del (NM_001354904.2); c.560-2_560del (NM_001354906.2); c.1463-2_1463del (NM_001354896.2); and 5 more.
Identifiers: ClinVar variation 449332 (VCV000449332.14), dbSNP rs1554081631, ClinGen allele CA658655934.